The following is an entry in ClinVar:

ClinVar aggregate classification (germline): Uncertain significance. Review status: criteria provided, multiple submitters, no conflicts (2 of 4 stars). 2 submissions from 2 submitters: Uncertain significance (2). Last evaluated 2025-01-20.

Conditions:
Severe X-linked myotubular myopathy (CNMX). Also called: MYOTUBULAR MYOPATHY 1; X-linked centronuclear myopathy; Myotubular myopathy, X-linked. Identifiers: Orphanet 596, MedGen C0410203, MONDO:0010683, OMIM 310400.

Submissions (2):

Labcorp Genetics (formerly Invitae), Labcorp
Classification: Uncertain significance for Severe X-linked myotubular myopathy. Last evaluated: 2025-01-20. Review status: criteria provided, single submitter. Criteria: Invitae Variant Classification Sherloc (09022015). Collection method: clinical testing. Allele origin: germline.
Comment: This sequence change replaces serine, which is neutral and polar, with arginine, which is basic and polar, at codon 369 of the MTM1 protein (p.Ser369Arg). This variant is not present in population databases (gnomAD no frequency). This variant has not been reported in the literature in individuals affected with MTM1-related conditions. ClinVar contains an entry for this variant (Variation ID: 1309994). Invitae Evidence Modeling of protein sequence and biophysical properties (such as structural, functional, and spatial information, amino acid conservation, physicochemical variation, residue mobility, and thermodynamic stability) indicates that this missense variant is not expected to disrupt MTM1 protein function with a negative predictive value of 80%. In summary, the available evidence is currently insufficient to determine the role of this variant in disease. Therefore, it has been classified as a Variant of Uncertain Significance.

GeneDx
Classification: Uncertain significance. Last evaluated: 2019-11-08. Review status: criteria provided, single submitter. Criteria: GeneDx Variant Classification Process June 2021. Collection method: clinical testing. Allele origin: germline. Affected: yes.
Comment: Not observed in large population cohorts (Lek et al., 2016); In silico analysis, which includes protein predictors and evolutionary conservation, supports a deleterious effect; Missense variants in nearby residues reported in the Human Gene Mutation Database (Stenson et al., 2014); Has not been previously published as pathogenic or benign to our knowledge

NM_000252.3(MTM1):c.1107T>A (p.Ser369Arg)

Gene: MTM1 (myotubularin 1; plus strand). Cytogenetic location: Xq28.
Variant type: single nucleotide variant.
Coding change: c.1107T>A on transcript NM_000252.3 (MANE Select); coding-DNA position 1107, T replaced by A.
Protein change: p.Ser369Arg; replaces serine 369 with arginine.
Molecular consequence: missense variant.
Genome position (GRCh38, 1-based): chrX:150,657,874, T>A. VCF-style: chrX-150657874-T-A. GRCh37 (hg19) VCF-style: chrX-149826347-T-A.
Other names: c.1107T>A, p.Ser369Arg (NM_001376906.1, NM_001376908.1); c.996T>A, p.Ser332Arg (NM_001376907.1); short protein forms S332R, S369R.
Identifiers: ClinVar variation 1309994 (VCV001309994.7), dbSNP rs2148508637, ClinGen allele CA415258287.